The following is an entry in ClinVar:

NM_024928.5(STN1):c.685C>A (p.Leu229Met)

Gene: STN1 (STN1 subunit of CST complex; minus strand). Cytogenetic location: 10q24.33.
Variant type: single nucleotide variant.
Coding change: c.685C>A on transcript NM_024928.5 (MANE Select); coding-DNA position 685, C replaced by A.
Protein change: p.Leu229Met; replaces leucine 229 with methionine.
Molecular consequence: missense variant.
Genome position (GRCh38, 1-based): chr10:103,897,616, G>T on the plus strand (C>A on the coding strand, the complement: STN1 is on the minus strand). VCF-style: chr10-103897616-G-T. GRCh37 (hg19) VCF-style: chr10-105657374-G-T.
Other names: short protein forms L229M.
Identifiers: ClinVar variation 1972044 (VCV001972044.5), dbSNP rs1389736599, ClinGen allele CA378045139.

ClinVar aggregate classification (germline): Uncertain significance (1 of 4 stars; one submission).

Submission:

Labcorp Genetics (formerly Invitae), Labcorp
Classification: Uncertain significance. Last evaluated: 2023-12-22. Review status: criteria provided, single submitter. Criteria: Invitae Variant Classification Sherloc (09022015). Collection method: clinical testing. Allele origin: germline.
Comment: This sequence change replaces leucine, which is neutral and non-polar, with methionine, which is neutral and non-polar, at codon 229 of the STN1 protein (p.Leu229Met). This variant is present in population databases (no rsID available, gnomAD 0.006%). This variant has not been reported in the literature in individuals affected with STN1-related conditions. ClinVar contains an entry for this variant (Variation ID: 1972044). Advanced modeling of protein sequence and biophysical properties (such as structural, functional, and spatial information, amino acid conservation, physicochemical variation, residue mobility, and thermodynamic stability) performed at Invitae indicates that this missense variant is expected to disrupt STN1 protein function with a positive predictive value of 80%. In summary, the available evidence is currently insufficient to determine the role of this variant in disease. Therefore, it has been classified as a Variant of Uncertain Significance.